The following is an entry in ClinVar:

ClinVar aggregate classification (germline): Uncertain significance. Review status: criteria provided, multiple submitters, no conflicts (2 of 4 stars). 2 submissions from 2 submitters: Uncertain significance (2). Last evaluated 2021-08-30.

Conditions:
Familial dysfibrinogenemia. Also called: Dysfibrinogenemia, congenital. Identifiers: Orphanet 335, Orphanet 98881, MedGen C0272350, MONDO:0014452, OMIM 616004.
Familial visceral amyloidosis, Ostertag type (AMYLD2). Also called: AMYLOIDOSIS VIII; Familial visceral amyloidosis; Amyloidosis, hepatic and systemic; AMYLOIDOSIS, HEREDITARY SYSTEMIC 2; Hereditary Renal Amyloidosis; Ostertag type amyloidosis. Identifiers: Orphanet 85450, MedGen C0268389, MONDO:0007099, OMIM 105200.
Congenital afibrinogenemia. Identifiers: Orphanet 335, Orphanet 98880, MedGen C2584774, MONDO:0008737, OMIM 202400.

gnomAD v4.1: 5 of 1,614,150 alleles (0.00031%); highest among the groups gnomAD compares: Middle Eastern, 0.033%; no homozygotes.

Submissions (2):

Fulgent Genetics
Classification: Uncertain significance for Familial visceral amyloidosis, Ostertag type; Congenital afibrinogenemia; Familial dysfibrinogenemia. Last evaluated: 2021-08-30. Review status: criteria provided, single submitter. Criteria: ACMG Guidelines, 2015. Collection method: clinical testing. Allele origin: unknown.

Dubai Health Genomic Medicine Center, Dubai Health
Classification: Uncertain significance for Familial visceral amyloidosis, Ostertag type. Last evaluated: 2021-03-22. Review status: criteria provided, single submitter. Criteria: ACMG Guidelines, 2015. Collection method: clinical testing. Allele origin: germline. Affected: yes.
Comment: The Gln784* variant in FGA has not been previously reported in affected individuals with disease and was absent from large population studies such as the Genome Aggregation Database (gnomAD) and the Greater Middle East (GME) variome database. This nonsense variant leads to a premature termination codon at position 784. However this alteration occurs within the last exon and is predicted to result in a truncated protein since it is more likely to escape nonsense mediated decay (NMD). Furthermore the impacted exon is alternatively spliced and has very low expression across human tissues suggesting that this variant might not be a true loss of function. In summary more information is needed to determine the clinical significance of this variant.

NM_000508.5(FGA):c.2350C>T (p.Gln784Ter)

Gene: FGA (fibrinogen alpha chain; minus strand). Cytogenetic location: 4q31.3.
Variant type: single nucleotide variant.
Coding change: c.2350C>T on transcript NM_000508.5; coding-DNA position 2350, C replaced by T.
Protein change: p.Gln784Ter; replaces glutamine 784 with a stop codon.
Molecular consequence: nonsense.
Genome position (GRCh38, 1-based): chr4:154,584,375, G>A on the plus strand (C>T on the coding strand, the complement: FGA is on the minus strand). VCF-style: chr4-154584375-G-A. GRCh37 (hg19) VCF-style: chr4-155505527-G-A.
Other names: short protein forms Q784*.
Identifiers: ClinVar variation 1301542 (VCV001301542.5), dbSNP rs148824832, ClinGen allele CA358523165.